The following is an entry in ClinVar:

NM_004380.3(CREBBP):c.4251C>T (p.Tyr1417=)

Gene: CREBBP (CREB binding lysine acetyltransferase; minus strand). Cytogenetic location: 16p13.3.
Variant type: single nucleotide variant.
Coding change: c.4251C>T on transcript NM_004380.3 (MANE Select); coding-DNA position 4251, C replaced by T.
Protein change: p.Tyr1417=; no amino-acid change (tyrosine 1417 retained).
Molecular consequence: synonymous variant.
Genome position (GRCh38, 1-based): chr16:3,739,607, G>A on the plus strand (C>T on the coding strand, the complement: CREBBP is on the minus strand). VCF-style: chr16-3739607-G-A. GRCh37 (hg19) VCF-style: chr16-3789608-G-A.
Other names: c.4137C>T, p.Tyr1379= (NM_001079846.1).
Identifiers: ClinVar variation 589622 (VCV000589622.16), dbSNP rs61731412, ClinGen allele CA7869579.

ClinVar aggregate classification (germline): Likely benign. Review status: criteria provided, multiple submitters, no conflicts (2 of 4 stars). 5 submissions from 5 submitters: Likely benign (4). 1 of the submissions does not count toward it. Last evaluated 2025-12-19.

Conditions:
Rubinstein-Taybi syndrome (RSTS). Identifiers: Orphanet 783, MedGen C0035934, MONDO:0019188.
Inborn genetic diseases. Identifiers: MedGen C0950123, MeSH D030342.
Menke-Hennekam syndrome 1 (MKHK1). Identifiers: MedGen C5193034, MONDO:0020763, OMIM 618332.
Rubinstein-Taybi syndrome due to CREBBP mutations (RSTS1). Also called: Rubinstein-Taybi syndrome 1; BROAD THUMBS AND GREAT TOES, CHARACTERISTIC FACIES, AND IMPAIRED INTELLECTUAL DEVELOPMENT; CREBBP-Related Rubinstein-Taybi Syndrome; BROAD THUMB-HALLUX SYNDROME; RUBINSTEIN-TAYBI SYNDROME 1, INCOMPLETE; RUBINSTEIN SYNDROME. Identifiers: Orphanet 353277, Orphanet 783, MedGen C4551859, MONDO:0008393, OMIM 180849.
CREBBP-related disorder. Also called: CREBBP-related disorders; CREBBP-related condition.

Allele frequency attached by ClinVar (database versions not stated): gnomAD exomes 0.00003 and 0.00006; ExAC 0.00007; gnomAD 0.00021 and 0.00024; TOPMed 0.00024; ESP Exome Variant Server 0.00046.
gnomAD v4.1: 85 of 1,614,162 alleles (0.0053%); highest among the groups gnomAD compares: African/African-American, 0.093%; no homozygotes.

Submissions (5):

Labcorp Genetics (formerly Invitae), Labcorp
Classification: Likely benign for Rubinstein-Taybi syndrome. Last evaluated: 2025-12-19. Review status: criteria provided, single submitter. Criteria: Invitae Variant Classification Sherloc (09022015). Collection method: clinical testing. Allele origin: germline.

Blueprint Genetics
Classification: Likely benign. Last evaluated: 2022-09-21. Review status: criteria provided, single submitter. Criteria: ACMG Guidelines, 2015. Collection method: clinical testing. Allele origin: germline.

Fulgent Genetics
Classification: Likely benign for Rubinstein-Taybi syndrome due to CREBBP mutations; Menke-Hennekam syndrome 1. Last evaluated: 2021-12-07. Review status: criteria provided, single submitter. Criteria: ACMG Guidelines, 2015. Collection method: clinical testing. Allele origin: unknown.

Ambry Genetics
Classification: Likely benign for Inborn genetic diseases. Last evaluated: 2017-04-20. Review status: criteria provided, single submitter. Criteria: Ambry Variant Classification Scheme 2023. Collection method: clinical testing. Allele origin: germline.

PreventionGenetics, part of Exact Sciences
Classification: Likely benign for CREBBP-related condition. Last evaluated: 2021-08-25. Review status: no assertion criteria provided. Collection method: clinical testing. Allele origin: germline. Not counted in ClinVar's aggregate classification.
Comment: This variant is classified as likely benign based on ACMG/AMP sequence variant interpretation guidelines (Richards et al. 2015 PMID: 25741868, with internal and published modifications).